The following is an entry in ClinVar:

ClinVar aggregate classification (germline): Conflicting classifications of pathogenicity. Review status: criteria provided, conflicting classifications (1 of 4 stars). 6 submissions from 6 submitters: Uncertain significance (1); Likely benign (5). Last evaluated 2025-12-26.

Conditions:
MYBPC3-related disorder. Also called: MYBPC3-related disorders; MYBPC3-related condition; MYBPC3-related disease.
Cardiovascular phenotype. Identifiers: MedGen CN230736.
Cardiomyopathy (CMYO). Also called: Cardiomyopathies. Identifiers: Orphanet 167848, MedGen C0878544, MONDO:0004994, HP:0001638. Inheritance: Various modes of inheritance.
Hypertrophic cardiomyopathy. Also called: HYPERTROPHIC MYOCARDIOPATHY. Identifiers: Orphanet 217569, MedGen C0007194, MeSH D002312, MONDO:0005045, HP:0001639.

Allele frequency attached by ClinVar (database versions not stated): gnomAD 0.00002 and 0.00003; gnomAD exomes 0.00002 and 0.00004; ExAC 0.00005; TOPMed 0.00005; ESP Exome Variant Server 0.00016; 1000 Genomes Project 30x 0.00031.
gnomAD v4.1: 69 of 1,612,890 alleles (0.0043%); highest among the groups gnomAD compares: Non-Finnish European, 0.0051%; no homozygotes.

Submissions (6):

Labcorp Genetics (formerly Invitae), Labcorp
Classification: Likely benign for Hypertrophic cardiomyopathy. Last evaluated: 2025-12-26. Review status: criteria provided, single submitter. Criteria: Invitae Variant Classification Sherloc (09022015). Collection method: clinical testing. Allele origin: germline.

PreventionGenetics, part of Exact Sciences
Classification: Uncertain significance for MYBPC3-related condition. Last evaluated: 2025-10-24. Review status: criteria provided, single submitter. Criteria: ACMG Guidelines, 2015. Collection method: clinical testing. Allele origin: germline.
Comment: The MYBPC3 c.1320C>T variant is not predicted to result in an amino acid change (p.=). This variant is predicted to alter splicing based on available splicing prediction programs (SpliceAI, Jaganathan et al. 2019. PubMed ID: 30661751). However, the use of computer prediction programs is not equivalent to functional evidence. To our knowledge, this variant has not been reported in the literature. This variant is reported in 0.0051% of alleles in individuals of East Asian descent in gnomAD. At this time, the clinical significance of this variant is uncertain due to the absence of conclusive functional and genetic evidence.

All of Us Research Program, National Institutes of Health
Classification: Likely benign for Hypertrophic cardiomyopathy. Last evaluated: 2024-02-05. Review status: criteria provided, single submitter. Criteria: ACMG Guidelines, 2015. Collection method: clinical testing. Allele origin: germline. Inheritance: Autosomal dominant inheritance. Observed: 6 variant alleles, 6 heterozygotes.
Comment: This study involves interpretation of variants in research participants for the purpose of population health screening. Participant phenotype was not available at the time of variant classification. Additional details can be found in publication PMID: 35346344, PMCID: PMC8962531

Color Diagnostics, LLC DBA Color Health
Classification: Likely benign for Cardiomyopathy. Last evaluated: 2019-08-14. Review status: criteria provided, single submitter. Criteria: ACMG Guidelines, 2015. Collection method: clinical testing. Allele origin: germline.

Ambry Genetics
Classification: Likely benign for Cardiovascular phenotype. Last evaluated: 2019-04-19. Review status: criteria provided, single submitter. Criteria: Ambry Variant Classification Scheme 2023. Collection method: clinical testing. Allele origin: germline.

Laboratory for Molecular Medicine, Mass General Brigham Personalized Medicine
Classification: Likely benign. Last evaluated: 2010-12-28. Review status: criteria provided, single submitter. Criteria: LMM Criteria. Collection method: clinical testing. Allele origin: germline. Observed: 1 variant allele.
Comment: This variant is not expected to have clinical significance because it does not a lter an amino acid residue and is not located near a splice junction.

NM_000256.3(MYBPC3):c.1320C>T (p.Gly440=)

Gene: MYBPC3 (myosin binding protein C3; minus strand). Cytogenetic location: 11p11.2.
Variant type: single nucleotide variant.
Coding change: c.1320C>T on transcript NM_000256.3 (MANE Select); coding-DNA position 1320, C replaced by T.
Protein change: p.Gly440=; no amino-acid change (glycine 440 retained).
Molecular consequence: synonymous variant.
Genome position (GRCh38, 1-based): chr11:47,343,052, G>A on the plus strand (C>T on the coding strand, the complement: MYBPC3 is on the minus strand). VCF-style: chr11-47343052-G-A. GRCh37 (hg19) VCF-style: chr11-47364603-G-A.
Identifiers: ClinVar variation 42523 (VCV000042523.18), dbSNP rs368192024, ClinGen allele CA010090.
Genomic context (GRCh38, chr11:47,343,052, plus strand): 5'-GTTCCCACATCCTCAGGTCCCAGGCCCACCTTTCACAAAGAGCTCCGTGCTACACTTCTC[G>A]CCACCCACCACGCACTGGTAGGCTGCGTCGTCCGCCAATGAGCACTGGCTGATGGTCAGG-3'
Protein context (NP_000247.2, residues 430-450): DDAAYQCVVG[Gly440=]EKCSTELFVK